The following is an entry in ClinVar:

ClinVar aggregate classification (germline): Uncertain significance (1 of 4 stars; one submission).

gnomAD v4.1: 1 of 1,549,166 alleles (0.000065%); no homozygotes.

Submission:

GeneDx
Classification: Uncertain significance. Last evaluated: 2024-11-24. Review status: criteria provided, single submitter. Criteria: GeneDx Variant Classification Process June 2021. Collection method: clinical testing. Allele origin: germline. Affected: yes.
Comment: Not observed at significant frequency in large population cohorts (gnomAD); In silico analysis supports that this missense variant has a deleterious effect on protein structure/function; Has not been previously published as pathogenic or benign to our knowledge

NM_001353345.2(SETD1B):c.2837G>T (p.Gly946Val)

Gene: SETD1B (SET domain containing 1B, histone lysine methyltransferase; plus strand). Cytogenetic location: 12q24.31.
Variant type: single nucleotide variant.
Coding change: c.2837G>T on transcript NM_001353345.2 (MANE Select); coding-DNA position 2837, G replaced by T.
Protein change: p.Gly946Val; replaces glycine 946 with valine.
Molecular consequence: missense variant.
Genome position (GRCh38, 1-based): chr12:121,817,154, G>T. VCF-style: chr12-121817154-G-T. GRCh37 (hg19) VCF-style: chr12-122255060-G-T.
Other names: short protein forms G946V.
Identifiers: ClinVar variation 3900224 (VCV003900224.1).